The following is an entry in ClinVar:

ClinVar aggregate classification (germline): Benign/Likely benign. Review status: criteria provided, multiple submitters, no conflicts (2 of 4 stars). 4 submissions from 4 submitters: Benign (2); Likely benign (1). 1 of the submissions does not count toward it. Last evaluated 2026-01-05.

Conditions:
CUBN-related disorder. Also called: CUBN-related condition.
Imerslund-Grasbeck syndrome type 1 (IGS1). Also called: Megaloblastic anemia 1, Finnish type; MEGALOBLASTIC ANEMIA, 1; Imerslund-Gräsbeck syndrome 1. Identifiers: MedGen C4016819, MONDO:0100156, OMIM 261100.
Imerslund-Grasbeck syndrome. Also called: ENTEROCYTE COBALAMIN MALABSORPTION; ENTEROCYTE INTRINSIC FACTOR RECEPTOR, DEFECT OF; Imerslund-Gräsbeck syndrome; PERNICIOUS ANEMIA, JUVENILE, DUE TO SELECTIVE INTESTINAL MALABSORPTION OF VITAMIN B12, WITH PROTEINURIA; Megaloblastic anemia due to inborn errors of metabolism. Identifiers: Orphanet 35858, MedGen C4551825, MONDO:0009853.

Allele frequency attached by ClinVar (database versions not stated): gnomAD 0.00043 and 0.00049; TOPMed 0.00058; gnomAD exomes 0.00087 and 0.00026; ExAC 0.00096; 1000 Genomes Project 30x 0.00141; 1000 Genomes Project 0.00160; ESP Exome Variant Server 0.00015.
gnomAD v4.1: 516 of 1,614,060 alleles (0.032%); highest among the groups gnomAD compares: East Asian, 0.76%; 5 homozygotes.

Submissions (4):

Labcorp Genetics (formerly Invitae), Labcorp
Classification: Benign for Imerslund-Grasbeck syndrome. Last evaluated: 2026-01-05. Review status: criteria provided, single submitter. Criteria: Invitae Variant Classification Sherloc (09022015). Collection method: clinical testing. Allele origin: germline.

Blueprint Genetics
Classification: Likely benign. Last evaluated: 2024-11-27. Review status: criteria provided, single submitter. Criteria: ACMG Guidelines, 2015. Collection method: clinical testing. Allele origin: germline.

Illumina Laboratory Services, Illumina
Classification: Benign for Imerslund-Grasbeck syndrome type 1. Last evaluated: 2018-01-13. Review status: criteria provided, single submitter. Criteria: ICSL Variant Classification Criteria 13 December 2019. Collection method: clinical testing. Allele origin: germline.
Comment: This variant was observed in the ICSL laboratory as part of a predisposition screen in an ostensibly healthy population. It had not been previously curated by ICSL or reported in the Human Gene Mutation Database (HGMD: prior to June 1st, 2018), and was therefore a candidate for classification through an automated scoring system. Utilizing variant allele frequency, disease prevalence and penetrance estimates, and inheritance mode, an automated score was calculated to assess if this variant is too frequent to cause the disease. Based on the score and internal cut-off values, a variant classified as benign is not then subjected to further curation. The score for this variant resulted in a classification of benign for this disease.

PreventionGenetics, part of Exact Sciences
Classification: Benign for CUBN-related condition. Last evaluated: 2022-12-20. Review status: no assertion criteria provided. Collection method: clinical testing. Allele origin: germline. Not counted in ClinVar's aggregate classification.
Comment: This variant is classified as benign based on ACMG/AMP sequence variant interpretation guidelines (Richards et al. 2015 PMID: 25741868, with internal and published modifications).

NM_001081.4(CUBN):c.8139C>A (p.Thr2713=)

Gene: CUBN (cubilin; minus strand). Cytogenetic location: 10p13.
Variant type: single nucleotide variant.
Coding change: c.8139C>A on transcript NM_001081.4 (MANE Select); coding-DNA position 8139, C replaced by A.
Protein change: p.Thr2713=; no amino-acid change (threonine 2713 retained).
Molecular consequence: synonymous variant.
Genome position (GRCh38, 1-based): chr10:16,901,383, G>T on the plus strand (C>A on the coding strand, the complement: CUBN is on the minus strand). VCF-style: chr10-16901383-G-T. GRCh37 (hg19) VCF-style: chr10-16943382-G-T.
Identifiers: ClinVar variation 299410 (VCV000299410.17), dbSNP rs147742103, ClinGen allele CA5423110.